The following is an entry in ClinVar:

NM_001448.3(GPC4):c.1022G>A (p.Cys341Tyr)

Gene: GPC4 (glypican 4; minus strand). Cytogenetic location: Xq26.2.
Variant type: single nucleotide variant.
Coding change: c.1022G>A on transcript NM_001448.3 (MANE Select); coding-DNA position 1022, G replaced by A.
Protein change: p.Cys341Tyr; replaces cysteine 341 with tyrosine.
Molecular consequence: missense variant.
Genome position (GRCh38, 1-based): chrX:133,305,905, C>T on the plus strand (G>A on the coding strand, the complement: GPC4 is on the minus strand). VCF-style: chrX-133305905-C-T. GRCh37 (hg19) VCF-style: chrX-132439933-C-T.
Other names: short protein forms C341Y.
Identifiers: ClinVar variation 2579810 (VCV002579810.3), dbSNP rs2520400084, ClinGen allele CA414692093.

ClinVar aggregate classification (germline): Conflicting classifications of pathogenicity. Review status: criteria provided, conflicting classifications (1 of 4 stars). 2 submissions from 2 submitters: Likely pathogenic (1); Uncertain significance (1). Last evaluated 2024-11-05.

Submissions (2):

Dasa
Classification: Likely pathogenic. Last evaluated: 2024-11-05. Review status: criteria provided, single submitter. Criteria: DASA Assertion Criteria. Collection method: clinical testing. Allele origin: germline.
Comment: NM_001448.3(GPC4):c.1022G>A (p.Cys341Tyr) is a missense variant that results in the substitution of cysteine with tyrosine. This variant is absent from population databases. Computational evidence supports a deleterious effect. Based on the currently available evidence, this variant is classified as likely pathogenic.

GeneDx
Classification: Uncertain significance. Last evaluated: 2023-03-14. Review status: criteria provided, single submitter. Criteria: GeneDx Variant Classification Process June 2021. Collection method: clinical testing. Allele origin: germline. Affected: yes.
Comment: Not observed at significant frequency in large population cohorts (gnomAD); In silico analysis supports that this missense variant has a deleterious effect on protein structure/function; Has not been previously published as pathogenic or benign to our knowledge